The following is an entry in ClinVar:

NM_001276345.2(TNNT2):c.655A>T (p.Lys219Ter)

Gene: TNNT2 (troponin T2, cardiac type; minus strand). Cytogenetic location: 1q32.1.
Variant type: single nucleotide variant.
Coding change: c.655A>T on transcript NM_001276345.2 (MANE Select); coding-DNA position 655, A replaced by T.
Protein change: p.Lys219Ter; replaces lysine 219 with a stop codon.
Molecular consequence: nonsense.
Genome position (GRCh38, 1-based): chr1:201,361,977, T>A on the plus strand (A>T on the coding strand, the complement: TNNT2 is on the minus strand). VCF-style: chr1-201361977-T-A. GRCh37 (hg19) VCF-style: chr1-201331105-T-A.
Other names: c.646A>T, p.Lys216Ter (NM_000364.4); c.625A>T, p.Lys209Ter (NM_001001430.3, NM_001276347.2); c.616A>T, p.Lys206Ter (NM_001001431.3); c.607A>T, p.Lys203Ter (NM_001001432.3); c.526A>T, p.Lys176Ter (NM_001276346.2); short protein forms K203*, K209*, K176*, K206*, K216*, K219*.
Identifiers: ClinVar variation 1036875 (VCV001036875.5), dbSNP rs1658729126, ClinGen allele CA344203773.

ClinVar aggregate classification (germline): Uncertain significance (1 of 4 stars; one submission).

Conditions:
Hypertrophic cardiomyopathy 2. Also called: TNNT2-Related Familial Hypertrophic Cardiomyopathy. Identifiers: MedGen C1861864, MONDO:0007266, OMIM 115195.
Dilated cardiomyopathy 1D. Identifiers: Orphanet 154, Orphanet 54260, MedGen C1832243, MONDO:0011095, OMIM 601494.
Cardiomyopathy, familial restrictive, 3. Identifiers: Orphanet 75249, MedGen C2676271, MONDO:0012900, OMIM 612422.

Allele frequency attached by ClinVar (database versions not stated): TOPMed below 0.00001.

Submission:

Labcorp Genetics (formerly Invitae), Labcorp
Classification: Uncertain significance for Cardiomyopathy, familial restrictive, 3; Hypertrophic cardiomyopathy 2; Dilated cardiomyopathy 1D. Last evaluated: 2020-10-13. Review status: criteria provided, single submitter. Criteria: Invitae Variant Classification Sherloc (09022015). Collection method: clinical testing. Allele origin: germline.
Comment: This variant has not been reported in the literature in individuals with TNNT2-related conditions. The current clinical and genetic evidence is not sufficient to establish whether loss-of-function variants in TNNT2 cause disease. In summary, the available evidence is currently insufficient to determine the role of this variant in disease. Therefore, it has been classified as a Variant of Uncertain Significance. This sequence change creates a premature translational stop signal (p.Lys209*) in the TNNT2 gene. It is expected to result in an absent or disrupted protein product. This variant is not present in population databases (ExAC no frequency).